The following is an entry in ClinVar:

ClinVar aggregate classification (germline): Uncertain significance (1 of 4 stars; one submission).

Conditions:
Primary ciliary dyskinesia. Also called: Ciliary dyskinesia. Identifiers: Orphanet 244, MedGen C0008780, MONDO:0016575, HP:0012265.

Allele frequency attached by ClinVar (database versions not stated): gnomAD exomes below 0.00001; gnomAD 0.00001; TOPMed 0.00001.
gnomAD v4.1: 5 of 1,551,970 alleles (0.00032%); highest among the groups gnomAD compares: Admixed American, 0.0059%; no homozygotes.

Submission:

Labcorp Genetics (formerly Invitae), Labcorp
Classification: Uncertain significance for Primary ciliary dyskinesia. Last evaluated: 2022-05-25. Review status: criteria provided, single submitter. Criteria: Invitae Variant Classification Sherloc (09022015). Collection method: clinical testing. Allele origin: germline.
Comment: This sequence change falls in intron 9 of the CCDC39 gene. It does not directly change the encoded amino acid sequence of the CCDC39 protein. It affects a nucleotide within the consensus splice site. The frequency data for this variant in the population databases is considered unreliable, as metrics indicate poor data quality at this position in the gnomAD database. This variant has not been reported in the literature in individuals affected with CCDC39-related conditions. Variants that disrupt the consensus splice site are a relatively common cause of aberrant splicing (PMID: 17576681, 9536098). Algorithms developed to predict the effect of sequence changes on RNA splicing suggest that this variant may disrupt the consensus splice site. In summary, the available evidence is currently insufficient to determine the role of this variant in disease. Therefore, it has been classified as a Variant of Uncertain Significance.

Literature cited by the submitters: PubMed 17576681; PubMed 9536098.

NM_181426.2(CCDC39):c.1167+3A>G

Gene: CCDC39 (coiled-coil domain 39 molecular ruler complex subunit; minus strand). Cytogenetic location: 3q26.33.
Variant type: single nucleotide variant.
Coding change: c.1167+3A>G on transcript NM_181426.2 (MANE Select); 3 bases into the intron after coding-DNA position 1167, A replaced by G.
Molecular consequence: intron variant.
Genome position (GRCh38, 1-based): chr3:180,651,398, T>C on the plus strand (A>G on the coding strand, the complement: CCDC39 is on the minus strand). VCF-style: chr3-180651398-T-C. GRCh37 (hg19) VCF-style: chr3-180369186-T-C.
Identifiers: ClinVar variation 2162526 (VCV002162526.1), dbSNP rs1225512283, ClinGen allele CA548336864.
Genomic context (GRCh38, chr3:180,651,398, plus strand): 5'-TCTAATTAATTCACTGTTGCTAAATTTTCTGTGATTTAAAGAAAAATTAAAACTAAACTT[T>C]ACCTTCACATCTTTTTCCTCCTCCTTTAGCATATCTTCCAAATTAGTAGCTTTCTCTTCT-3'